The following is an entry in ClinVar:

NM_007215.4(POLG2):c.1386G>A (p.Met462Ile)

Genes: MILR1 (mast cell immunoglobulin like receptor 1; plus strand), POLG2 (DNA polymerase gamma 2, accessory subunit; minus strand). Cytogenetic location: 17q23.3.
Variant type: single nucleotide variant.
Coding change: c.1386G>A on transcript NM_007215.4 (MANE Select); coding-DNA position 1386, G replaced by A.
Protein change: p.Met462Ile; replaces methionine 462 with isoleucine.
Molecular consequence: missense variant.
Genome position (GRCh38, 1-based): chr17:64,477,895, C>T on the plus strand (G>A on the coding strand, the complement: POLG2 is on the minus strand). VCF-style: chr17-64477895-C-T. GRCh37 (hg19) VCF-style: chr17-62474012-C-T.
Other names: short protein forms M462I.
Identifiers: ClinVar variation 1940670 (VCV001940670.5), dbSNP rs2037791769, ClinGen allele CA400635385.
Genomic context (GRCh38, chr17:64,477,895, plus strand): 5'-AGCTGATGATATATACTTAATCAAAAAGTCTTTTAATTTGGATATATGCATCATTTCCTT[C>T]ATTGTGGTGTCTCTGCTTCTCAGATGTATTAATCCATTCTCCAAAGTAGTTTCAGTAACC-3'
Protein context (NP_009146.2, residues 452-472): LIHLRSRDTT[Met462Ile]KEMMHISKLK

ClinVar aggregate classification (germline): Uncertain significance (1 of 4 stars; one submission).

Allele frequency attached by ClinVar (database versions not stated): TOPMed 0.00001.

Submission:

Labcorp Genetics (formerly Invitae), Labcorp
Classification: Uncertain significance. Last evaluated: 2024-10-28. Review status: criteria provided, single submitter. Criteria: Invitae Variant Classification Sherloc (09022015). Collection method: clinical testing. Allele origin: germline.
Comment: This sequence change replaces methionine, which is neutral and non-polar, with isoleucine, which is neutral and non-polar, at codon 462 of the POLG2 protein (p.Met462Ile). This variant is not present in population databases (gnomAD no frequency). This variant has not been reported in the literature in individuals affected with POLG2-related conditions. ClinVar contains an entry for this variant (Variation ID: 1940670). An algorithm developed to predict the effect of missense changes on protein structure and function (PolyPhen-2) suggests that this variant is likely to be tolerated. In summary, the available evidence is currently insufficient to determine the role of this variant in disease. Therefore, it has been classified as a Variant of Uncertain Significance.